The following is an entry in ClinVar:

NM_001329943.3(KIAA0586):c.1129+1G>A

Gene: KIAA0586 (KIAA0586; plus strand). Cytogenetic location: 14q23.1.
Variant type: single nucleotide variant.
Coding change: c.1129+1G>A on transcript NM_001329943.3 (MANE Select); the canonical splice donor site of the intron after coding-DNA position 1129, G replaced by A.
Molecular consequence: splice donor variant.
Genome position (GRCh38, 1-based): chr14:58,450,747, G>A. VCF-style: chr14-58450747-G-A. GRCh37 (hg19) VCF-style: chr14-58917465-G-A.
Other names: c.1129+1G>A (NM_001329944.2, NM_001329946.2, NM_001329947.2 and 1 more transcripts); c.874+1G>A (NM_001364701.2, NM_001329945.2, NM_001364700.1 and 1 more transcripts); c.709+1G>A (NM_001244193.2); c.1288+1G>A (NM_001244189.2); c.1084+1G>A (NM_001244190.2); c.997+1G>A (NM_001244192.2).
Identifiers: ClinVar variation 1466229 (VCV001466229.8), dbSNP rs2140707466, ClinGen allele CA389865651.
Genomic context (GRCh38, chr14:58,450,747, plus strand): 5'-TATCAAAGAGGGAAAATCTTTTGGAAGAAAAAGAAAATATGGAAGTGTCGTGTCACAGAG[G>A]TAATAGAGACTTTTACTAGACCTATCCCAAATTAGGAAATTGTCATGAGATTTTCTGTGC-3'

ClinVar aggregate classification (germline): Likely pathogenic (1 of 4 stars; one submission).

Conditions:
Short-rib thoracic dysplasia 14 with polydactyly (SRTD14). Identifiers: Orphanet 397715, MedGen C4225286, MONDO:0014688, OMIM 616546.
Joubert syndrome 23 (JBTS23). Identifiers: Orphanet 475, MedGen C4084822, MONDO:0014664, OMIM 616490.

Allele frequency attached by ClinVar (database versions not stated): gnomAD exomes below 0.00001.

Submission:

Labcorp Genetics (formerly Invitae), Labcorp
Classification: Likely pathogenic for Joubert syndrome 23; Short-rib thoracic dysplasia 14 with polydactyly. Last evaluated: 2021-03-11. Review status: criteria provided, single submitter. Criteria: Invitae Variant Classification Sherloc (09022015). Collection method: clinical testing. Allele origin: germline.
Comment: This variant is not present in population databases (ExAC no frequency). This variant has not been reported in the literature in individuals with KIAA0586-related conditions. Algorithms developed to predict the effect of sequence changes on RNA splicing suggest that this variant may disrupt the consensus splice site, but this prediction has not been confirmed by published transcriptional studies. In summary, the currently available evidence indicates that the variant is pathogenic, but additional data are needed to prove that conclusively. Therefore, this variant has been classified as Likely Pathogenic. This sequence change affects a donor splice site in intron 10 of the KIAA0586 gene. It is expected to disrupt RNA splicing. Variants that disrupt the donor or acceptor splice site typically lead to a loss of protein function (PMID: 16199547), and loss-of-function variants in KIAA0586 are known to be pathogenic (PMID: 26096313, 26166481, 26386044).

Literature cited by the submitters: PubMed 16199547; PubMed 26096313; PubMed 26166481; PubMed 26386044.